The following is an entry in ClinVar:

NM_004006.3(DMD):c.6391_6392del (p.Gln2131fs)

Gene: DMD (dystrophin; minus strand). Cytogenetic location: Xp21.1.
Variant type: Microsatellite.
Coding change: c.6391_6392del on transcript NM_004006.3 (MANE Select); coding-DNA positions 6391 to 6392, 2 bases deleted (CA; older notation c.6391_6392delCA).
Protein change: p.Gln2131fs; shifts the reading frame from glutamine 2131.
Molecular consequence: frameshift variant.
Genome position (GRCh38, 1-based): chrX:32,216,962-32,216,963, TG deleted on the plus strand (CA on the coding strand, the reverse complement: DMD is on the minus strand); deleting any 2 consecutive bases within chrX:32,216,962-32,216,966 gives the same sequence; the c. name uses the placement nearest the transcript's 3' end. VCF-style (leftmost placement, unchanged base first): chrX-32216961-TTG-T. GRCh37 (hg19) VCF-style: chrX-32235078-TTG-T.
Other names: c.6391_6392delCA (NM_004006.2); c.6367_6368del, p.Gln2123fs (NM_000109.4); c.6379_6380del, p.Gln2127fs (NM_004009.3); c.6022_6023del, p.Gln2008fs (NM_004010.3); c.2368_2369del, p.Gln790fs (NM_004011.4); c.2359_2360del, p.Gln787fs (NM_004012.4); short protein forms Q2008fs, Q787fs, Q2127fs, Q2131fs, Q790fs, Q2123fs.
Identifiers: ClinVar variation 94705 (VCV000094705.14), dbSNP rs398124012, ClinGen allele CA267110.

ClinVar aggregate classification (germline): Pathogenic. Review status: criteria provided, multiple submitters, no conflicts (2 of 4 stars). 3 submissions from 3 submitters: Pathogenic (3). Last evaluated 2025-12-19.

Conditions:
Duchenne muscular dystrophy (DMD). Also called: Duchenne Muscular Dystrophy (DMD); MUSCULAR DYSTROPHY, PSEUDOHYPERTROPHIC PROGRESSIVE, DUCHENNE TYPE. Identifiers: Orphanet 98896, MedGen C0013264, MONDO:0010679, OMIM 310200.

Submissions (3):

3billion
Classification: Pathogenic for Duchenne muscular dystrophy. Last evaluated: 2025-12-19. Review status: criteria provided, single submitter. Criteria: ACMG Guidelines, 2015. Collection method: clinical testing. Allele origin: germline. Affected: yes.
Comment: The variant is not observed in the gnomAD v4.1.0 dataset. Predicted Consequence/Location: Frameshift: predicted to result in a loss or disruption of normal protein function through nonsense-mediated decay (NMD) or protein truncation. Multiple pathogenic variants are reported downstream of the variant. The variant has been reported at least twice as pathogenic without evidence for the classification (ClinVar ID: VCV000094705 /PMID: 22678781). Therefore, this variant is classified as Pathogenic according to the recommendation of ACMG/AMP guideline.

Labcorp Genetics (formerly Invitae), Labcorp
Classification: Pathogenic for Duchenne muscular dystrophy. Last evaluated: 2025-04-28. Review status: criteria provided, single submitter. Criteria: Invitae Variant Classification Sherloc (09022015). Collection method: clinical testing. Allele origin: germline.
Comment: This sequence change creates a premature translational stop signal (p.Gln2131Asnfs*3) in the DMD gene. It is expected to result in an absent or disrupted protein product. Loss-of-function variants in DMD are known to be pathogenic (PMID: 16770791, 25007885). This variant is not present in population databases (gnomAD no frequency). This premature translational stop signal has been observed in individuals with Duchenne muscular dystrophies (PMID: 16770791, 22678781, 25612904). For these reasons, this variant has been classified as Pathogenic.

Eurofins Ntd Llc (ga)
Classification: Pathogenic. Last evaluated: 2015-10-19. Review status: criteria provided, single submitter. Criteria: EGL Classification Definitions 2015. Collection method: clinical testing. Allele origin: germline. Observed: 1 variant allele, 1 hemizygote.

Literature cited by the submitters: PubMed 22678781 (cited by 3 submitters); PubMed 16770791 (cited by Labcorp Genetics (formerly Invitae), Labcorp); PubMed 25007885 (cited by Labcorp Genetics (formerly Invitae), Labcorp); PubMed 25612904 (cited by Labcorp Genetics (formerly Invitae), Labcorp and Eurofins Ntd Llc (ga)).